The following is an entry in ClinVar:

ClinVar aggregate classification (germline): Uncertain significance (1 of 4 stars; one submission).

Submission:

Labcorp Genetics (formerly Invitae), Labcorp
Classification: Uncertain significance. Last evaluated: 2023-03-08. Review status: criteria provided, single submitter. Criteria: Invitae Variant Classification Sherloc (09022015). Collection method: clinical testing. Allele origin: germline.
Comment: In summary, the available evidence is currently insufficient to determine the role of this variant in disease. Therefore, it has been classified as a Variant of Uncertain Significance. Advanced modeling of protein sequence and biophysical properties (such as structural, functional, and spatial information, amino acid conservation, physicochemical variation, residue mobility, and thermodynamic stability) performed at Invitae indicates that this missense variant is expected to disrupt SEC61A1 protein function. This variant has not been reported in the literature in individuals affected with SEC61A1-related conditions. This variant is not present in population databases (gnomAD no frequency). This sequence change replaces proline, which is neutral and non-polar, with serine, which is neutral and polar, at codon 11 of the SEC61A1 protein (p.Pro11Ser).

NM_013336.4(SEC61A1):c.31C>T (p.Pro11Ser)

Gene: SEC61A1 (SEC61 translocon subunit alpha 1; plus strand). Cytogenetic location: 3q21.3.
Variant type: single nucleotide variant.
Coding change: c.31C>T on transcript NM_013336.4 (MANE Select); coding-DNA position 31, C replaced by T.
Protein change: p.Pro11Ser; replaces proline 11 with serine.
Molecular consequence: missense variant. On other transcripts: intron variant (1).
Genome position (GRCh38, 1-based): chr3:128,052,858, C>T. VCF-style: chr3-128052858-C-T. GRCh37 (hg19) VCF-style: chr3-127771701-C-T.
Other names: c.49C>T, p.Pro17Ser (NM_001400328.1); c.-85+299C>T (NM_001400329.1); short protein forms P17S, P11S.
Identifiers: ClinVar variation 2837606 (VCV002837606.3), dbSNP rs1941711042, ClinGen allele CA354388154.